The following is an entry in ClinVar:

ClinVar aggregate classification (germline): Uncertain significance (1 of 4 stars; one submission).

Submission:

Ambry Genetics
Classification: Uncertain significance. Last evaluated: 2021-12-10. Review status: criteria provided, single submitter. Criteria: Ambry Variant Classification Scheme 2023. Collection method: clinical testing. Allele origin: germline.
Comment: The p.Q150P variant (also known as c.449A>C), located in coding exon 1 of the PALLD gene, results from an A to C substitution at nucleotide position 449. The glutamine at codon 150 is replaced by proline, an amino acid with similar properties. This amino acid position is conserved. In addition, this alteration is predicted to be tolerated by in silico analysis. Since supporting evidence is limited at this time, the clinical significance of this alteration remains unclear.

NM_001166108.2(PALLD):c.1965-12582A>C

Gene: PALLD (palladin, cytoskeletal associated protein; plus strand). Cytogenetic location: 4q32.3.
Variant type: single nucleotide variant.
Coding change: c.1965-12582A>C on transcript NM_001166108.2 (MANE Select); 12582 bases into the intron before coding-DNA position 1965, A replaced by C.
Molecular consequence: intron variant. On other transcripts: missense variant (1).
Genome position (GRCh38, 1-based): chr4:168,878,340, A>C. VCF-style: chr4-168878340-A-C. GRCh37 (hg19) VCF-style: chr4-169799491-A-C.
Other names: c.449A>C, p.Gln150Pro (NM_001166110.2); c.1965-12582A>C (NM_016081.4); c.819-12582A>C (NM_001166109.2); c.-157-12582A>C (NM_001367570.1, NM_001367568.1, NM_001367567.1 and 1 more transcripts); short protein forms Q150P.
Identifiers: ClinVar variation 1741011 (VCV001741011.2), dbSNP rs2533444605, ClinGen allele CA358796702.